The following is an entry in ClinVar:

ClinVar aggregate classification (germline): Likely benign (1 of 4 stars; one submission).

Submission:

GeneDx
Classification: Likely benign. Last evaluated: 2017-11-02. Review status: criteria provided, single submitter. Criteria: GeneDx Variant Classification (06012015). Collection method: clinical testing. Allele origin: germline. Affected: yes.
Comment: This variant is considered likely benign or benign based on one or more of the following criteria: it is a conservative change, it occurs at a poorly conserved position in the protein, it is predicted to be benign by multiple in silico algorithms, and/or has population frequency not consistent with disease.

NM_002047.4(GARS1):c.1700-13A>T

Gene: GARS1 (glycyl-tRNA synthetase 1; plus strand). Cytogenetic location: 7p14.3.
Variant type: single nucleotide variant.
Coding change: c.1700-13A>T on transcript NM_002047.4 (MANE Select); 13 bases into the intron before coding-DNA position 1700, A replaced by T.
Molecular consequence: intron variant.
Genome position (GRCh38, 1-based): chr7:30,628,547, A>T. VCF-style: chr7-30628547-A-T. GRCh37 (hg19) VCF-style: chr7-30668163-A-T.
Other names: c.1538-13A>T (NM_001316772.1); c.1700-13A>T (LRG_243t1).
Identifiers: ClinVar variation 512765 (VCV000512765.1), dbSNP rs762966640, ClinGen allele CA4206053.